The following is an entry in ClinVar:

ClinVar aggregate classification (germline): Uncertain significance (1 of 4 stars; one submission).

Conditions:
Inborn genetic diseases. Identifiers: MedGen C0950123, MeSH D030342.

gnomAD v4.1: 28 of 1,230,626 alleles (0.0023%); highest among the groups gnomAD compares: Non-Finnish European, 0.0028%; no homozygotes.

Submission:

Ambry Genetics
Classification: Uncertain significance for Inborn genetic diseases. Last evaluated: 2024-09-02. Review status: criteria provided, single submitter. Criteria: Ambry Variant Classification Scheme 2023. Collection method: clinical testing. Allele origin: germline.
Comment: The p.A12G variant (also known as c.35C>G), located in coding exon 1 of the LTBP3 gene, results from a C to G substitution at nucleotide position 35. The alanine at codon 12 is replaced by glycine, an amino acid with similar properties. This amino acid position is conserved. In addition, this alteration is predicted to be tolerated by in silico analysis. Based on the available evidence, the clinical significance of this variant remains unclear.

NM_001130144.3(LTBP3):c.35C>G (p.Ala12Gly)

Gene: LTBP3 (latent transforming growth factor beta binding protein 3; minus strand). Cytogenetic location: 11q13.1.
Variant type: single nucleotide variant.
Coding change: c.35C>G on transcript NM_001130144.3 (MANE Select); coding-DNA position 35, C replaced by G.
Protein change: p.Ala12Gly; replaces alanine 12 with glycine.
Molecular consequence: missense variant. On other transcripts: 5 prime UTR variant (1).
Genome position (GRCh38, 1-based): chr11:65,557,925, G>C on the plus strand (C>G on the coding strand, the complement: LTBP3 is on the minus strand). VCF-style: chr11-65557925-G-C. GRCh37 (hg19) VCF-style: chr11-65325396-G-C.
Other names: c.-313C>G (NM_001164266.1); c.35C>G, p.Ala12Gly (NM_021070.4); short protein forms A12G.
Identifiers: ClinVar variation 3541072 (VCV003541072.1).